The following is an entry in ClinVar:

ClinVar aggregate classification (germline): Uncertain significance (1 of 4 stars; one submission).

Conditions:
Acute myeloid leukemia (AML). Also called: Acute myeloid leukemia, adult; AML adult; Acute non-lymphocytic leukemia; Acute granulocytic leukemia; Leukemia, acute myeloid, somatic; Leukemia, acute myelogenous, somatic. Identifiers: Orphanet 519, MedGen C0023467, MeSH D015470, MONDO:0018874, OMIM 601626, HP:0004808. Disease mechanism: Constitutively activated FLT3.

Submission:

Labcorp Genetics (formerly Invitae), Labcorp
Classification: Uncertain significance for Acute myeloid leukemia. Last evaluated: 2022-10-10. Review status: criteria provided, single submitter. Criteria: Invitae Variant Classification Sherloc (09022015). Collection method: clinical testing. Allele origin: germline.
Comment: This variant, c.878_880del, results in the deletion of 1 amino acid(s) of the CEBPA protein (p.Asn293del), but otherwise preserves the integrity of the reading frame. This variant is not present in population databases (gnomAD no frequency). This variant has been observed in individual(s) with acute myeloid leukemia (PMID: 14726504). This variant is also known as 1469_1471del . Experimental studies and prediction algorithms are not available or were not evaluated, and the functional significance of this variant is currently unknown. In summary, the available evidence is currently insufficient to determine the role of this variant in disease. Therefore, it has been classified as a Variant of Uncertain Significance.

Literature cited by the submitters: PubMed 14726504.

NM_004364.5(CEBPA):c.875ACA[1] (p.Asn293del)

Gene: CEBPA (CCAAT enhancer binding protein alpha; minus strand). Cytogenetic location: 19q13.11.
Variant type: Microsatellite.
Coding change: c.875ACA[1] on transcript NM_004364.5 (MANE Select); one copy of the 3-base unit ACA starting at c.875; the reference has two copies in a row; one copy, 3 bases deleted.
Protein change: p.Asn293del; deletes asparagine 293.
Molecular consequence: inframe deletion.
Genome position (GRCh38, 1-based): chr19:33,301,535-33,301,537, TGT deleted on the plus strand (ACA on the coding strand, the reverse complement: CEBPA is on the minus strand); deleting any 3 consecutive bases within chr19:33,301,535-33,301,542 gives the same sequence; the position shown is the placement nearest the transcript's 3' end. VCF-style (leftmost placement, unchanged base first): chr19-33301534-ATGT-A. GRCh37 (hg19) VCF-style: chr19-33792440-ATGT-A.
Other names: c.518ACA[1], p.Asn174del (NM_001285829.2); c.980ACA[1], p.Asn328del (NM_001287424.2); c.833ACA[1], p.Asn279del (NM_001287435.2); short protein forms N279del, N328del, N174del, N293del.
Identifiers: ClinVar variation 2032510 (VCV002032510.4), dbSNP rs2513328674, ClinGen allele CA645612640.